The following is an entry in ClinVar:

ClinVar aggregate classification (germline): Uncertain significance. Review status: criteria provided, multiple submitters, no conflicts (2 of 4 stars). 5 submissions from 5 submitters: Uncertain significance (5). Last evaluated 2025-12-21.

Conditions:
Juvenile polyposis syndrome (JPS). Identifiers: Orphanet 2929, MedGen C0345893, MONDO:0017380, OMIM 174900.
Hereditary cancer-predisposing syndrome. Also called: Hereditary neoplastic syndrome; Neoplastic Syndromes, Hereditary; Tumor predisposition; Hereditary Cancer Syndrome. Identifiers: Orphanet 140162, MedGen C0027672, MeSH D009386, MONDO:0015356.
Polyposis syndrome, hereditary mixed, 2. Identifiers: Orphanet 157794, MedGen C1864730, MONDO:0012405, OMIM 610069.

Allele frequency attached by ClinVar (database versions not stated): gnomAD exomes 0.00001.
gnomAD v4.1: 12 of 1,614,014 alleles (0.00074%); highest among the groups gnomAD compares: African/African-American, 0.0013%; no homozygotes.

Submissions (5):

Labcorp Genetics (formerly Invitae), Labcorp
Classification: Uncertain significance for Juvenile polyposis syndrome. Last evaluated: 2025-12-21. Review status: criteria provided, single submitter. Criteria: Invitae Variant Classification Sherloc (09022015). Collection method: clinical testing. Allele origin: germline.
Comment: This sequence change replaces isoleucine, which is neutral and non-polar, with valine, which is neutral and non-polar, at codon 296 of the BMPR1A protein (p.Ile296Val). This variant is not present in population databases (gnomAD no frequency). This variant has not been reported in the literature in individuals affected with BMPR1A-related conditions. ClinVar contains an entry for this variant (Variation ID: 460515). Invitae Evidence Modeling of protein sequence and biophysical properties (such as structural, functional, and spatial information, amino acid conservation, physicochemical variation, residue mobility, and thermodynamic stability) indicates that this missense variant is not expected to disrupt BMPR1A protein function with a negative predictive value of 80%. In summary, the available evidence is currently insufficient to determine the role of this variant in disease. Therefore, it has been classified as a Variant of Uncertain Significance.

Ambry Genetics
Classification: Uncertain significance for Hereditary cancer-predisposing syndrome. Last evaluated: 2024-11-05. Review status: criteria provided, single submitter. Criteria: Ambry Variant Classification Scheme 2023. Collection method: clinical testing. Allele origin: germline.
Comment: The p.I296V variant (also known as c.886A>G), located in coding exon 8 of the BMPR1A gene, results from an A to G substitution at nucleotide position 886. The isoleucine at codon 296 is replaced by valine, an amino acid with highly similar properties. This amino acid position is highly conserved in available vertebrate species. In addition, this alteration is predicted to be tolerated by in silico analysis. Since supporting evidence is limited at this time, the clinical significance of this alteration remains unclear.

Baylor Genetics
Classification: Uncertain significance for Polyposis syndrome, hereditary mixed, 2. Last evaluated: 2024-03-25. Review status: criteria provided, single submitter. Criteria: ACMG Guidelines, 2015. Collection method: clinical testing. Allele origin: unknown.

Color Diagnostics, LLC DBA Color Health
Classification: Uncertain significance for Hereditary cancer-predisposing syndrome. Last evaluated: 2024-03-06. Review status: criteria provided, single submitter. Criteria: ACMG Guidelines, 2015. Collection method: clinical testing. Allele origin: germline.
Comment: This missense variant replaces isoleucine with valine at codon 296 of the BMPR1A protein. Computational prediction suggests that this variant may not impact protein structure and function (internally defined REVEL score threshold <= 0.5, PMID: 27666373). To our knowledge, functional studies have not been reported for this variant. This variant has not been reported in individuals affected with BMPR1A-related disorders in the literature. This variant has not been identified in the general population by the Genome Aggregation Database (gnomAD). The available evidence is insufficient to determine the role of this variant in disease conclusively. Therefore, this variant is classified as a Variant of Uncertain Significance.

All of Us Research Program, National Institutes of Health
Classification: Uncertain significance for Juvenile polyposis syndrome. Last evaluated: 2023-09-04. Review status: criteria provided, single submitter. Criteria: ACMG Guidelines, 2015. Collection method: clinical testing. Allele origin: germline. Inheritance: Autosomal dominant inheritance. Observed: 3 variant alleles, 3 heterozygotes.
Comment: This missense variant replaces isoleucine with valine at codon 296 of the BMPR1A protein. Computational prediction suggests that this variant may not impact protein structure and function (internally defined REVEL score threshold <= 0.5, PMID: 27666373). To our knowledge, functional studies have not been reported for this variant. This variant has not been reported in individuals affected with BMPR1A-related disorders in the literature. This variant has not been identified in the general population by the Genome Aggregation Database (gnomAD). The available evidence is insufficient to determine the role of this variant in disease conclusively. Therefore, this variant is classified as a Variant of Uncertain Significance.

This study involves interpretation of variants in research participants for the purpose of population health screening. Participant phenotype was not available at the time of variant classification. Additional details can be found in publication PMID: 35346344, PMCID: PMC8962531

NM_004329.3(BMPR1A):c.886A>G (p.Ile296Val)

Gene: BMPR1A (bone morphogenetic protein receptor type 1A; plus strand). Cytogenetic location: 10q23.2.
Variant type: single nucleotide variant.
Coding change: c.886A>G on transcript NM_004329.3 (MANE Select); coding-DNA position 886, A replaced by G.
Protein change: p.Ile296Val; replaces isoleucine 296 with valine.
Molecular consequence: missense variant.
Genome position (GRCh38, 1-based): chr10:86,919,189, A>G. VCF-style: chr10-86919189-A-G. GRCh37 (hg19) VCF-style: chr10-88678946-A-G.
Other names: short protein forms I296V.
Identifiers: ClinVar variation 460515 (VCV000460515.22), dbSNP rs1554891019, ClinGen allele CA377459836.